The following is an entry in ClinVar:

ClinVar aggregate classification (germline): Uncertain significance (1 of 4 stars; one submission).

Conditions:
Developmental and epileptic encephalopathy, 27 (DEE27). Also called: Epileptic encephalopathy, early infantile, 27; GRIN2B-Related Neurodevelopmental Disorder. Identifiers: Orphanet 3451, MedGen C4015316, MONDO:0014505, OMIM 616139.
Intellectual developmental disorder, autosomal dominant 6, with or without seizures. Also called: Intellectual disability, autosomal dominant 6; GRIN2B-related developmental delay, intellectual disability and autism spectrum disorder. Identifiers: Orphanet 589547, MedGen C3151411, MONDO:0013509, OMIM 613970.

Submission:

Labcorp Genetics (formerly Invitae), Labcorp
Classification: Uncertain significance for Developmental and epileptic encephalopathy, 27; Intellectual developmental disorder, autosomal dominant 6, with or without seizures. Last evaluated: 2025-08-06. Review status: criteria provided, single submitter. Criteria: Invitae Variant Classification Sherloc (09022015). Collection method: clinical testing. Allele origin: germline.
Comment: This sequence change affects an acceptor splice site in intron 12 of the GRIN2B gene. While this variant is not anticipated to result in nonsense mediated decay, it likely alters RNA splicing and results in a disrupted protein product. This variant is not present in population databases (gnomAD no frequency). This variant has not been reported in the literature in individuals affected with GRIN2B-related conditions. Variants that disrupt the consensus splice site are a relatively common cause of aberrant splicing (PMID: 17576681, 9536098). Algorithms developed to predict the effect of sequence changes on RNA splicing suggest that this variant may disrupt the consensus splice site. In summary, the available evidence is currently insufficient to determine the role of this variant in disease. Therefore, it has been classified as a Variant of Uncertain Significance.

Literature cited by the submitters: PubMed 17576681; PubMed 9536098.

NM_000834.5(GRIN2B):c.2599-2A>G

Gene: GRIN2B (glutamate ionotropic receptor NMDA type subunit 2B; minus strand). Cytogenetic location: 12p13.1.
Variant type: single nucleotide variant.
Coding change: c.2599-2A>G on transcript NM_000834.5 (MANE Select); the canonical splice acceptor site of the intron before coding-DNA position 2599, A replaced by G.
Molecular consequence: splice acceptor variant.
Genome position (GRCh38, 1-based): chr12:13,564,641, T>C on the plus strand (A>G on the coding strand, the complement: GRIN2B is on the minus strand). VCF-style: chr12-13564641-T-C. GRCh37 (hg19) VCF-style: chr12-13717575-T-C.
Other names: c.2599-2A>G (NM_001413992.1).
Identifiers: ClinVar variation 4785798 (VCV004785798.1).